The following is an entry in ClinVar:

NM_014946.4(SPAST):c.129G>C (p.Glu43Asp)

Gene: SPAST (spastin; plus strand). Cytogenetic location: 2p22.3.
Variant type: single nucleotide variant.
Coding change: c.129G>C on transcript NM_014946.4 (MANE Select); coding-DNA position 129, G replaced by C.
Protein change: p.Glu43Asp; replaces glutamic acid 43 with aspartic acid.
Molecular consequence: missense variant.
Genome position (GRCh38, 1-based): chr2:32,063,960, G>C. VCF-style: chr2-32063960-G-C. GRCh37 (hg19) VCF-style: chr2-32289029-G-C.
Other names: c.129G>C, p.Glu43Asp (NM_001363823.2, NM_001363875.2, NM_001377959.1 and 1 more transcripts); short protein forms E43D.
Identifiers: ClinVar variation 897738 (VCV000897738.10), dbSNP rs542793579, ClinGen allele CA1600498.
Genomic context (GRCh38, chr2:32,063,960, plus strand): 5'-GCCTCCGCCCCCTTGCCTGGCCCCCGCCCCTCCCGCCGCCGGGCCGGCCCCTCCGCCCGA[G>C]TCGCCGCATAAGCGGAACCTGTACTATTTCTCCTACCCGCTGTTTGTAGGCTTCGCGCTG-3'
Protein context (NP_055761.2, residues 33-53): PPAAGPAPPP[Glu43Asp]SPHKRNLYYF

ClinVar aggregate classification (germline): Conflicting classifications of pathogenicity. Review status: criteria provided, conflicting classifications (1 of 4 stars). 3 submissions from 3 submitters: Uncertain significance (1); Benign (1); Likely benign (1). Last evaluated 2022-10-13.

Conditions:
Hereditary spastic paraplegia 4. Also called: Spastic Paraplegia 4; Spastic paraplegia 4, autosomal dominant; Familial spastic paraplegia autosomal dominant 2. Identifiers: Orphanet 100985, MedGen C1866855, MONDO:0008438, OMIM 182601.

Allele frequency attached by ClinVar (database versions not stated): gnomAD below 0.00001 and 0.00001; TOPMed 0.00001; gnomAD exomes 0.00005 and 0.00010; ExAC 0.00013; 1000 Genomes Project 0.00020; 1000 Genomes Project 30x 0.00031.

Submissions (3):

Labcorp Genetics (formerly Invitae), Labcorp
Classification: Benign for Hereditary spastic paraplegia 4. Last evaluated: 2022-10-13. Review status: criteria provided, single submitter. Criteria: Invitae Variant Classification Sherloc (09022015). Collection method: clinical testing. Allele origin: germline.

Revvity Omics, Revvity
Classification: Uncertain significance for Hereditary spastic paraplegia 4. Last evaluated: 2019-01-25. Review status: criteria provided, single submitter. Criteria: ACMG Guidelines, 2015. Collection method: clinical testing. Allele origin: germline.

Illumina Laboratory Services, Illumina
Classification: Likely benign for Hereditary spastic paraplegia 4. Last evaluated: 2018-01-13. Review status: criteria provided, single submitter. Criteria: ICSL Variant Classification Criteria 13 December 2019. Collection method: clinical testing. Allele origin: germline.
Comment: This variant was observed in the ICSL laboratory as part of a predisposition screen in an ostensibly healthy population. It had not been previously curated by ICSL or reported in the Human Gene Mutation Database (HGMD: prior to June 1st, 2018), and was therefore a candidate for classification through an automated scoring system. Utilizing variant allele frequency, disease prevalence and penetrance estimates, and inheritance mode, an automated score was calculated to assess if this variant is too frequent to cause the disease. Based on the score and internal cut-off values, a variant classified as likely benign is not then subjected to further curation. The score for this variant resulted in a classification of likely benign for this disease.